The following is an entry in ClinVar:

NM_024334.3(TMEM43):c.844A>C (p.Thr282Pro)

Gene: TMEM43 (transmembrane protein 43; plus strand). Cytogenetic location: 3p25.1.
Variant type: single nucleotide variant.
Coding change: c.844A>C on transcript NM_024334.3 (MANE Select); coding-DNA position 844, A replaced by C.
Protein change: p.Thr282Pro; replaces threonine 282 with proline.
Molecular consequence: missense variant.
Genome position (GRCh38, 1-based): chr3:14,135,870, A>C. VCF-style: chr3-14135870-A-C. GRCh37 (hg19) VCF-style: chr3-14177370-A-C.
Other names: c.847A>C, p.Thr283Pro (NM_001407274.1); c.841A>C, p.Thr281Pro (NM_001407275.1, NM_001407277.1); c.844A>C, p.Thr282Pro (NM_001407276.1); c.829A>C, p.Thr277Pro (NM_001407278.1); c.769A>C, p.Thr257Pro (NM_001407279.1); c.694A>C, p.Thr232Pro (NM_001407280.1); short protein forms T232P, T257P, T277P, T281P, T282P, T283P.
Identifiers: ClinVar variation 3070706 (VCV003070706.1), dbSNP rs756294633, ClinGen allele CA055802.

ClinVar aggregate classification (germline): Uncertain significance (1 of 4 stars; one submission).

Conditions:
Arrhythmogenic right ventricular dysplasia 5. Also called: Arrhythmogenic Right Ventricular Dysplasia/Cardiomyopathy 5; ARRHYTHMOGENIC RIGHT VENTRICULAR DYSPLASIA, FAMILIAL, 5. Identifiers: MedGen C1858379, MONDO:0011459, OMIM 604400.

Allele frequency attached by ClinVar (database versions not stated): ExAC 0.00001.

Submission:

All of Us Research Program, National Institutes of Health
Classification: Uncertain significance for Arrhythmogenic right ventricular dysplasia 5. Last evaluated: 2023-05-04. Review status: criteria provided, single submitter. Criteria: ACMG Guidelines, 2015. Collection method: clinical testing. Allele origin: germline. Inheritance: Autosomal dominant inheritance. Observed: 1 variant allele, 1 heterozygote.
Comment: This missense variant replaces threonine with proline at codon 282 of the TMEM43 protein. Computational prediction suggests that this variant may not impact protein structure and function (internally defined REVEL score threshold <= 0.5, PMID: 27666373). To our knowledge, functional studies have not been reported for this variant. This variant has not been reported in individuals affected with TMEM43-related disorders in the literature. This variant has been identified in 1/250428 chromosomes in the general population by the Genome Aggregation Database (gnomAD). The available evidence is insufficient to determine the role of this variant in disease conclusively. Therefore, this variant is classified as a Variant of Uncertain Significance.

This study involves interpretation of variants in research participants for the purpose of population health screening. Participant phenotype was not available at the time of variant classification. Additional details can be found in publication PMID: 35346344, PMCID: PMC8962531